The following is an entry in ClinVar:

NM_001100913.3(PACS2):c.1836C>T (p.Phe612=)

Gene: PACS2 (phosphofurin acidic cluster sorting protein 2; plus strand). Cytogenetic location: 14q32.33.
Variant type: single nucleotide variant.
Coding change: c.1836C>T on transcript NM_001100913.3 (MANE Select); coding-DNA position 1836, C replaced by T.
Protein change: p.Phe612=; no amino-acid change (phenylalanine 612 retained).
Molecular consequence: synonymous variant.
Genome position (GRCh38, 1-based): chr14:105,384,408, C>T. VCF-style: chr14-105384408-C-T. GRCh37 (hg19) VCF-style: chr14-105850745-C-T.
Other names: c.1599C>T, p.Phe533= (NM_001243127.3); c.1824C>T, p.Phe608= (NM_015197.4).
Identifiers: ClinVar variation 2791996 (VCV002791996.3), dbSNP rs2544828288, ClinGen allele CA488205004.

ClinVar aggregate classification (germline): Uncertain significance (1 of 4 stars; one submission).

Submission:

Labcorp Genetics (formerly Invitae), Labcorp
Classification: Uncertain significance. Last evaluated: 2023-06-18. Review status: criteria provided, single submitter. Criteria: Invitae Variant Classification Sherloc (09022015). Collection method: clinical testing. Allele origin: germline.
Comment: In summary, the available evidence is currently insufficient to determine the role of this variant in disease. Therefore, it has been classified as a Variant of Uncertain Significance. Algorithms developed to predict the effect of sequence changes on RNA splicing suggest that this variant may create or strengthen a splice site. This variant has not been reported in the literature in individuals affected with PACS2-related conditions. This variant is not present in population databases (gnomAD no frequency). This sequence change affects codon 612 of the PACS2 mRNA. It is a 'silent' change, meaning that it does not change the encoded amino acid sequence of the PACS2 protein.